The following is an entry in ClinVar:

NM_001184880.2(PCDH19):c.703A>T (p.Asn235Tyr)

Gene: PCDH19 (protocadherin 19; minus strand). Cytogenetic location: Xq22.1.
Variant type: single nucleotide variant.
Coding change: c.703A>T on transcript NM_001184880.2 (MANE Select); coding-DNA position 703, A replaced by T.
Protein change: p.Asn235Tyr; replaces asparagine 235 with tyrosine.
Molecular consequence: missense variant.
Genome position (GRCh38, 1-based): chrX:100,407,895, T>A on the plus strand (A>T on the coding strand, the complement: PCDH19 is on the minus strand). VCF-style: chrX-100407895-T-A. GRCh37 (hg19) VCF-style: chrX-99662893-T-A.
Other names: c.703A>T, p.Asn235Tyr (NM_001105243.2, NM_020766.3); short protein forms N235Y.
Identifiers: ClinVar variation 2767103 (VCV002767103.3), dbSNP rs2520990986, ClinGen allele CA414008565.

ClinVar aggregate classification (germline): Uncertain significance (1 of 4 stars; one submission).

Conditions:
Developmental and epileptic encephalopathy, 9 (DEE9). Also called: EPILEPSY, FEMALE-RESTRICTED, WITH MENTAL RETARDATION; PCDH19-Related X-Linked Female-Limited Epilepsy with Mental Retardation; Early infantile epileptic encephalopathy 9; JUBERG-HELLMAN SYNDROME. Identifiers: Orphanet 101039, Orphanet 2076, MedGen C1848137, MONDO:0010246, OMIM 300088. Disease mechanism: loss of function.

Submission:

Labcorp Genetics (formerly Invitae), Labcorp
Classification: Uncertain significance for Developmental and epileptic encephalopathy, 9. Last evaluated: 2023-10-09. Review status: criteria provided, single submitter. Criteria: Invitae Variant Classification Sherloc (09022015). Collection method: clinical testing. Allele origin: germline.
Comment: This sequence change replaces asparagine, which is neutral and polar, with tyrosine, which is neutral and polar, at codon 235 of the PCDH19 protein (p.Asn235Tyr). This variant is not present in population databases (gnomAD no frequency). This variant has not been reported in the literature in individuals affected with PCDH19-related conditions. Advanced modeling of protein sequence and biophysical properties (such as structural, functional, and spatial information, amino acid conservation, physicochemical variation, residue mobility, and thermodynamic stability) performed at Invitae indicates that this missense variant is not expected to disrupt PCDH19 protein function. In summary, the available evidence is currently insufficient to determine the role of this variant in disease. Therefore, it has been classified as a Variant of Uncertain Significance.